The following is an entry in ClinVar:

NM_000094.4(COL7A1):c.4665A>C (p.Glu1555Asp)

Gene: COL7A1 (collagen type VII alpha 1 chain; minus strand). Cytogenetic location: 3p21.31.
Variant type: single nucleotide variant.
Coding change: c.4665A>C on transcript NM_000094.4 (MANE Select); coding-DNA position 4665, A replaced by C.
Protein change: p.Glu1555Asp; replaces glutamic acid 1555 with aspartic acid.
Molecular consequence: missense variant.
Genome position (GRCh38, 1-based): chr3:48,581,914, T>G on the plus strand (A>C on the coding strand, the complement: COL7A1 is on the minus strand). VCF-style: chr3-48581914-T-G. GRCh37 (hg19) VCF-style: chr3-48619347-T-G.
Other names: short protein forms E1555D.
Identifiers: ClinVar variation 3251562 (VCV003251562.1), dbSNP rs1443190334.

ClinVar aggregate classification (germline): Uncertain significance (1 of 4 stars; one submission).

gnomAD v4.1: 1 of 1,614,018 alleles (0.000062%); highest among the groups gnomAD compares: East Asian, 0.0022%; no homozygotes.

Submission:

Women's Health and Genetics/Laboratory Corporation of America, LabCorp
Classification: Uncertain significance. Last evaluated: 2024-04-03. Review status: criteria provided, single submitter. Criteria: LabCorp Variant Classification Summary - May 2015. Collection method: clinical testing. Allele origin: germline.
Comment: Variant summary: COL7A1 c.4665A>C (p.Glu1555Asp) results in a conservative amino acid change in the encoded protein sequence. Three of five in-silico tools predict a benign effect of the variant on protein function. The variant allele was found at a frequency of 8e-06 in 251460 control chromosomes. The available data on variant occurrences in the general population are insufficient to allow any conclusion about variant significance. c.4665A>C has been reported in the literature in individuals affected with Dystrophic Epidermolysis Bullosa, Recessive (Chen_2020). These data do not allow any conclusion about variant significance. To our knowledge, no experimental evidence demonstrating an impact on protein function has been reported. The following publication have been ascertained in the context of this evaluation (PMID: 36287101). No submitters have cited clinical-significance assessments for this variant to ClinVar. Based on the evidence outlined above, the variant was classified as uncertain significance.

Literature cited by the submitters: PubMed 36287101.